The following is an entry in ClinVar:

NM_016239.4(MYO15A):c.2795A>G (p.Asp932Gly)

Gene: MYO15A (myosin XVA; plus strand). Cytogenetic location: 17p11.2.
Variant type: single nucleotide variant.
Coding change: c.2795A>G on transcript NM_016239.4 (MANE Select); coding-DNA position 2795, A replaced by G.
Protein change: p.Asp932Gly; replaces aspartic acid 932 with glycine.
Molecular consequence: missense variant.
Genome position (GRCh38, 1-based): chr17:18,121,595, A>G. VCF-style: chr17-18121595-A-G. GRCh37 (hg19) VCF-style: chr17-18024909-A-G.
Other names: short protein forms D932G.
Identifiers: ClinVar variation 1929234 (VCV001929234.5), dbSNP rs1239245608, ClinGen allele CA398585502.

ClinVar aggregate classification (germline): Uncertain significance (1 of 4 stars; one submission).

Submission:

Labcorp Genetics (formerly Invitae), Labcorp
Classification: Uncertain significance. Last evaluated: 2022-06-13. Review status: criteria provided, single submitter. Criteria: Invitae Variant Classification Sherloc (09022015). Collection method: clinical testing. Allele origin: germline.
Comment: This variant is not present in population databases (gnomAD no frequency). This sequence change replaces aspartic acid, which is acidic and polar, with glycine, which is neutral and non-polar, at codon 932 of the MYO15A protein (p.Asp932Gly). This variant has not been reported in the literature in individuals affected with MYO15A-related conditions. In summary, the available evidence is currently insufficient to determine the role of this variant in disease. Therefore, it has been classified as a Variant of Uncertain Significance. Advanced modeling of protein sequence and biophysical properties (such as structural, functional, and spatial information, amino acid conservation, physicochemical variation, residue mobility, and thermodynamic stability) performed at Invitae indicates that this missense variant is not expected to disrupt MYO15A protein function.